The following is an entry in ClinVar:

ClinVar aggregate classification (germline): Uncertain significance (0 of 4 stars; one submission).

Conditions:
IFT172-related disorder. Also called: IFT172-related condition; IFT172-related disorders.

Submission:

PreventionGenetics, part of Exact Sciences
Classification: Uncertain significance for IFT172-related condition. Last evaluated: 2024-09-05. Review status: no assertion criteria provided. Collection method: clinical testing. Allele origin: germline.
Comment: The IFT172 c.3346G>C variant is predicted to result in the amino acid substitution p.Ala1116Pro. To our knowledge, this variant has not been reported in the literature or in a large population database, indicating this variant is rare. At this time, the clinical significance of this variant is uncertain due to the absence of conclusive functional and genetic evidence.

NM_015662.3(IFT172):c.3346G>C (p.Ala1116Pro)

Gene: IFT172 (intraflagellar transport 172; minus strand). Cytogenetic location: 2p23.3.
Variant type: single nucleotide variant.
Coding change: c.3346G>C on transcript NM_015662.3 (MANE Select); coding-DNA position 3346, G replaced by C.
Protein change: p.Ala1116Pro; replaces alanine 1116 with proline.
Molecular consequence: missense variant.
Genome position (GRCh38, 1-based): chr2:27,456,536, C>G on the plus strand (G>C on the coding strand, the complement: IFT172 is on the minus strand). VCF-style: chr2-27456536-C-G. GRCh37 (hg19) VCF-style: chr2-27679403-C-G.
Other names: c.3280G>C, p.Ala1094Pro (NM_001410739.1); short protein forms A1094P, A1116P.
Identifiers: ClinVar variation 3344750 (VCV003344750.1).